The following is an entry in ClinVar:

NM_014915.3(ANKRD26):c.2854A>C (p.Lys952Gln)

Gene: ANKRD26 (ankyrin repeat domain 26; minus strand). Cytogenetic location: 10p12.1.
Variant type: single nucleotide variant.
Coding change: c.2854A>C on transcript NM_014915.3 (MANE Select); coding-DNA position 2854, A replaced by C.
Protein change: p.Lys952Gln; replaces lysine 952 with glutamine.
Molecular consequence: missense variant.
Genome position (GRCh38, 1-based): chr10:27,035,596, T>G on the plus strand (A>C on the coding strand, the complement: ANKRD26 is on the minus strand). VCF-style: chr10-27035596-T-G. GRCh37 (hg19) VCF-style: chr10-27324525-T-G.
Other names: c.2851A>C, p.Lys951Gln (NM_001256053.2); short protein forms K952Q, K951Q.
Identifiers: ClinVar variation 5022751 (VCV005022751.1).

ClinVar aggregate classification (germline): Uncertain significance (1 of 4 stars; one submission).

Conditions:
Inborn genetic diseases. Identifiers: MedGen C0950123, MeSH D030342.

Submission:

Ambry Genetics
Classification: Uncertain significance for Inborn genetic diseases. Last evaluated: 2026-06-16. Review status: criteria provided, single submitter. Criteria: Ambry Variant Classification Scheme 2023. Collection method: clinical testing. Allele origin: germline.
Comment: The p.K952Q variant (also known as c.2854A>C), located in coding exon 24 of the ANKRD26 gene, results from an A to C substitution at nucleotide position 2854. The lysine at codon 952 is replaced by glutamine, an amino acid with similar properties. This amino acid position is conserved. In addition, this alteration is predicted to be tolerated by in silico analysis. Based on the available evidence, the clinical significance of this variant remains unclear.